The following is an entry in ClinVar:

ClinVar aggregate classification (germline): Pathogenic. Review status: criteria provided, multiple submitters, no conflicts (2 of 4 stars). 6 submissions from 5 submitters: Pathogenic (5). 1 of the submissions does not count toward it. Last evaluated 2026-03-11.

Conditions:
Adult polyglucosan body neuropathy. Identifiers: MedGen C4017118.
Adult polyglucosan body disease (APBN). Also called: GBE1-Adult Polyglucosan Body Disease; POLYGLUCOSAN BODY DISEASE, ADULT FORM. Identifiers: Orphanet 206583, MedGen C1849722, MONDO:0009897, OMIM 263570.

Submissions (6):

GeneDx
Classification: Pathogenic. Last evaluated: 2026-03-11. Review status: criteria provided, single submitter. Criteria: GeneDx Variant Classification Process June 2021. Collection method: clinical testing. Allele origin: germline. Affected: yes.
Comment: Published functional studies demonstrate a damaging effect resulting in reduced protein expression and GBE activity (PMID: 25665141); In silico analysis supports a deleterious effect on splicing; No data available from control populations to assess the frequency of this variant; This variant is associated with the following publications: (PMID: 34103343, 25665141, 33820833)

Undiagnosed Diseases Network, NIH
Classification: Pathogenic for Adult polyglucosan body disease. Last evaluated: 2025-03-28. Review status: criteria provided, single submitter. Criteria: ACMG Guidelines, 2015. Collection method: clinical testing. Allele origin: unknown. Inheritance: Autosomal recessive inheritance. Affected: yes. Observed: 1 variant allele, 1 compound heterozygote. Study: Undiagnosed Diseases Network (NIH), UDN.

Broad Center for Mendelian Genomics, Broad Institute of MIT and Harvard
Classification: Pathogenic for Adult polyglucosan body disease. Last evaluated: 2022-01-27. Review status: criteria provided, single submitter. Criteria: ACMG Guidelines, 2015. Collection method: curation. Allele origin: germline. Inheritance: Autosomal recessive inheritance.
Comment: The c.2053-3358_2053-3350delinsTGTTTTTTACATGACAGGT variant in GBE1 has been reported in 16 individuals with adult polyglucosan body disease (APBD) (PMID: 25665141), but data from large population studies is insufficient to assess the frequency of this variant. Of the 16 affected individuals, all were compound heterozygotes that carried a reported pathogenic variant in trans, which increases the likelihood that the c.2053-3358_2053-3350delinsTGTTTTTTACATGACAGGT variant is pathogenic (VariationID: 2777; PMID: 25665141). This variant has also been reported in ClinVar (Variation ID#: 225145) and has been interpreted as likely pathogenic or pathogenic by OMIM, GeneDx, and the Undiagnosed Diseases Network (NIH). In vitro functional studies provide some evidence that the c.2053-3358_2053-3350delinsTGTTTTTTACATGACAGGT variant may impact protein function (PMID: 25665141). However, these types of assays may not accurately represent biological function. Computational prediction tools and conservation analyses suggest that this variant may impact the protein. In summary, this variant meets criteria to be classified as pathogenic for autosomal recessive APBD. ACMG/AMP Criteria applied: PS3_moderate, PM3_very-strong, PP3(Richards 2015).

Division Of Personalized Genomic Medicine, Columbia University Irving Medical Center
Classification: Pathogenic for Adult polyglucosan body disease. Last evaluated: 2021-07-12. Review status: criteria provided, single submitter. Criteria: ACMG Guidelines, 2015. Collection method: clinical testing. Allele origin: germline. Inheritance: Autosomal recessive inheritance. Affected: yes. Observed: 1 compound heterozygote.
Comment: The variant in the GBE1 gene, c.2053-3358_2053-3350delinsTGTTTTTTACATGACAGGT, is a deep intronic insertion/deletion. This variant results in a sequence of nine intronic nucleotides being removed and replaced by 20 nucleotides containing an mRNA splice acceptor. It has been found in trans with the c.986A>C variant in 16 patients of Ashkenazi Jewish descent with adult polyglucosan body disease (PMID: 25665141). PCR analysis showed that this variant caused the splicing of exon 15 into an ectopic splice acceptor site, creating an abnormal exon 16 with a new stop codon. The mean GBE activity in compound heterozygotes was 8% of normal compared to 18% of normal in c.986A>C homozygotes, indicating the truncated protein product is unstable (PMID: 25665141).

Undiagnosed Diseases Network, NIH
Classification: Pathogenic for Adult polyglucosan body disease. Last evaluated: 2021-04-07. Review status: criteria provided, single submitter. Criteria: ACMG Guidelines, 2015. Collection method: clinical testing. Allele origin: unknown. Inheritance: Autosomal recessive inheritance. Affected: yes. Observed: 1 variant allele, 1 compound heterozygote. Study: Undiagnosed Diseases Network (NIH), UDN.

OMIM
Classification: Pathogenic for ADULT POLYGLUCOSAN BODY NEUROPATHY. Last evaluated: 2016-04-11. Review status: no assertion criteria provided. Collection method: literature only. Allele origin: germline. Not counted in ClinVar's aggregate classification.

Literature cited by the submitters: PubMed 25665141 (cited by Division Of Personalized Genomic Medicine, Columbia University Irving Medical Center and OMIM).

NM_000158.4(GBE1):c.2053-3358_2053-3350delinsTGTTTTTTACATGACAGGT

Gene: GBE1 (1,4-alpha-glucan branching enzyme 1; minus strand). Cytogenetic location: 3p12.2.
Variant type: Indel.
Coding change: c.2053-3358_2053-3350delinsTGTTTTTTACATGACAGGT on transcript NM_000158.4 (MANE Select); 3358 bases into the intron before coding-DNA position 2053 through 3350 bases into the intron before coding-DNA position 2053, GTGTGGTGG replaced by TGTTTTTTACATGACAGGT.
Molecular consequence: intron variant.
Genome position (GRCh38, 1-based): chr3:81,493,813-81,493,821, CCACCACAC replaced by ACCTGTCATGTAAAAAACA on the plus strand (GTGTGGTGG replaced by TGTTTTTTACATGACAGGT on the coding strand, the reverse complement: GBE1 is on the minus strand). VCF-style: chr3-81493813-CCACCACAC-ACCTGTCATGTAAAAAACA. GRCh37 (hg19) VCF-style: chr3-81542964-CCACCACAC-ACCTGTCATGTAAAAAACA.
Identifiers: ClinVar variation 225145 (VCV000225145.10), dbSNP rs869320698, ClinGen allele CA358310.
Genomic context (GRCh38, chr3:81,493,813, plus strand): 5'-CTCGAACTCCCGACCTCAGCTGTTCTGCCTGCCTCGGCAGGCTGGGATTACAGGTGTGAG[CCACCACAC>ACCTGTCATGTAAAAAACA]CCATCCGAGAGGGTTTTTTTTTTTAAAGGATGCCATAACAAAGTTCCAGGTTTGTAACAT-3'